The following is an entry in ClinVar:

ClinVar aggregate classification (germline): Likely pathogenic (1 of 4 stars; one submission).

Conditions:
Nemaline myopathy 9 (NEM9). Identifiers: MedGen C3810384, MONDO:0014326, OMIM 615731.

Submission:

Foundation for Research in Genetics and Endocrinology, FRIGE's Institute of Human Genetics
Classification: Likely pathogenic for Nemaline myopathy 9. Last evaluated: 2023-03-15. Review status: criteria provided, single submitter. Criteria: ACMG Guidelines, 2015. Collection method: clinical testing. Allele origin: germline. Inheritance: Autosomal recessive inheritance. Affected: yes. Observed: 1 homozygote.
Comment: description: A homozygous 10 base pair deletion in Exon 1 of the KLHL41 gene that results in a frameshift and premature truncation of the protein 6 amino acids downstream to codon 294 was detected . This variant has not been reported in the 1000 genomes, gnomAD , gnomdAD , topmed and our internal databases. The in silico predictions of the variant is damaging by MutationTaster2. The reference region is conserved across species. In summary, the variant meets our criteria to be classified as a likely pathogenic.

NM_006063.3(KLHL41):c.881_890del (p.Asp294fs)

Gene: KLHL41 (kelch like family member 41; plus strand). Cytogenetic location: 2q31.1.
Variant type: Deletion.
Coding change: c.881_890del on transcript NM_006063.3 (MANE Select); coding-DNA positions 881 to 890, 10 bases deleted (ACATTCCCAG; older notation c.881_890delACATTCCCAG).
Protein change: p.Asp294fs; shifts the reading frame from aspartic acid 294.
Molecular consequence: frameshift variant.
Genome position (GRCh38, 1-based): chr2:169,510,659-169,510,668, ACATTCCCAG deleted; deleting any 10 consecutive bases within chr2:169,510,658-169,510,668 gives the same sequence; the c. name uses the placement nearest the transcript's 3' end. VCF-style (leftmost placement, unchanged base first): chr2-169510657-TGACATTCCCA-T. GRCh37 (hg19) VCF-style: chr2-170367167-TGACATTCCCA-T.
Other names: p.Asp294GlyfsTer6; short protein forms D294fs.
Identifiers: ClinVar variation 2445984 (VCV002445984.1), dbSNP rs2468055654, ClinGen allele CA2580064483.